The following is an entry in ClinVar:

NM_015346.4(ZFYVE26):c.296G>A (p.Arg99Gln)

Gene: ZFYVE26 (zinc finger FYVE-type containing 26; minus strand). Cytogenetic location: 14q24.1.
Variant type: single nucleotide variant.
Coding change: c.296G>A on transcript NM_015346.4 (MANE Select); coding-DNA position 296, G replaced by A.
Protein change: p.Arg99Gln; replaces arginine 99 with glutamine.
Molecular consequence: missense variant.
Genome position (GRCh38, 1-based): chr14:67,809,267, C>T on the plus strand (G>A on the coding strand, the complement: ZFYVE26 is on the minus strand). VCF-style: chr14-67809267-C-T. GRCh37 (hg19) VCF-style: chr14-68275984-C-T.
Other names: p.Arg99Gln; short protein forms R99Q.
Identifiers: ClinVar variation 452654 (VCV000452654.8), dbSNP rs758392268, ClinGen allele CA7240828.
Genomic context (GRCh38, chr14:67,809,267, plus strand): 5'-ATGTTCTCTGGAATGTCACCTTGGAGGTCTTCTGACAATAAAAGAAACTCAAGCTTTCTC[C>T]GGAAAACAACTGGGAGTAACTTCTAGAAGAATCAAAAGAATGAAGCATAGAGATGAGATA-3'
Protein context (NP_056161.2, residues 89-109): REKKLLPVVF[Arg99Gln]RKLEFLLLSE

ClinVar aggregate classification (germline): Uncertain significance. Review status: criteria provided, multiple submitters, no conflicts (2 of 4 stars). 4 submissions from 4 submitters: Uncertain significance (4). Last evaluated 2025-11-18.

Conditions:
Spastic paraplegia. Identifiers: MedGen C0037772, HP:0001258.
Inborn genetic diseases. Identifiers: MedGen C0950123, MeSH D030342.

Allele frequency attached by ClinVar (database versions not stated): ExAC 0.00002; gnomAD exomes 0.00002; gnomAD 0.00003 and 0.00004; TOPMed 0.00003.
gnomAD v4.1: 33 of 1,613,612 alleles (0.002%); highest among the groups gnomAD compares: South Asian, 0.0044%; no homozygotes.

Submissions (4):

Labcorp Genetics (formerly Invitae), Labcorp
Classification: Uncertain significance for Spastic paraplegia. Last evaluated: 2025-11-18. Review status: criteria provided, single submitter. Criteria: Invitae Variant Classification Sherloc (09022015). Collection method: clinical testing. Allele origin: germline.
Comment: This sequence change replaces arginine, which is basic and polar, with glutamine, which is neutral and polar, at codon 99 of the ZFYVE26 protein (p.Arg99Gln). This variant is present in population databases (rs758392268, gnomAD 0.004%). This variant has not been reported in the literature in individuals affected with ZFYVE26-related conditions. ClinVar contains an entry for this variant (Variation ID: 452654). An algorithm developed to predict the effect of missense changes on protein structure and function outputs the following: PolyPhen-2: "Possibly Damaging". The glutamine amino acid residue is found in multiple mammalian species, which suggests that this missense change does not adversely affect protein function. Algorithms developed to predict the effect of sequence changes on RNA splicing suggest that this variant may disrupt the consensus splice site. In summary, the available evidence is currently insufficient to determine the role of this variant in disease. Therefore, it has been classified as a Variant of Uncertain Significance.

Ambry Genetics
Classification: Uncertain significance for Inborn genetic diseases. Last evaluated: 2023-11-14. Review status: criteria provided, single submitter. Criteria: Ambry Variant Classification Scheme 2023. Collection method: clinical testing. Allele origin: germline.

Mayo Clinic Laboratories, Mayo Clinic
Classification: Uncertain significance. Last evaluated: 2021-09-23. Review status: criteria provided, single submitter. Criteria: ACMG Guidelines, 2015. Collection method: clinical testing. Allele origin: germline.

GeneDx
Classification: Uncertain significance. Last evaluated: 2017-10-06. Review status: criteria provided, single submitter. Criteria: GeneDx Variant Classification (06012015). Collection method: clinical testing. Allele origin: germline. Affected: yes.
Comment: The c.296 G>A variant in the ZFYVE26 gene has not been reported previously as a pathogenic variant, nor as a benign variant, to our knowledge. The c.296 G>A variant is observed in 5/126,670 (0.004%) alleles from individuals of non-Finnish European background in the gnomAD dataset (Lek et al., 2016). In-silico splice models predict that c.296 G>A may create a cryptic splice acceptor site in exon 4 that could supplant the natural splice acceptor site. However, in the absence of RNA/functional studies, the actual effect of the c.296 G>A change in this individual is unknown. If c.296 G>A does not alter splicing, it will result in the R99Q missense change. The R99Q variant is a semi-conservative amino acid substitution, which may impact secondary protein structure as these residues differ in some properties. However, this substitution occurs at a position that is not conserved, and in silico analysis is inconsistent in its predictions as to whether or not the variant is damaging to the protein structure/function. We interpret c.296 G>A as a variant of uncertain significance.